The following is an entry in ClinVar:

ClinVar aggregate classification (germline): Likely pathogenic (1 of 4 stars; one submission).

gnomAD v4.1: 1 of 1,606,672 alleles (0.000062%); highest among the groups gnomAD compares: South Asian, 0.0011%; no homozygotes.

Submission:

Labcorp Genetics (formerly Invitae), Labcorp
Classification: Likely pathogenic. Last evaluated: 2020-11-12. Review status: criteria provided, single submitter. Criteria: Invitae Variant Classification Sherloc (09022015). Collection method: clinical testing. Allele origin: germline.
Comment: In summary, the currently available evidence indicates that the variant is pathogenic, but additional data are needed to prove that conclusively. Therefore, this variant has been classified as Likely Pathogenic. Algorithms developed to predict the effect of sequence changes on RNA splicing suggest that this variant may disrupt the consensus splice site, but this prediction has not been confirmed by published transcriptional studies. This variant has not been reported in the literature in individuals with BAZ2B-related conditions. This variant is not present in population databases (ExAC no frequency). This sequence change affects a donor splice site in intron 20 of the BAZ2B gene. It is expected to disrupt RNA splicing. Variants that disrupt the donor or acceptor splice site typically lead to a loss of protein function (PMID: 16199547), and loss-of-function variants in BAZ2B are known to be pathogenic (PMID: 31999386).

Literature cited by the submitters: PubMed 16199547; PubMed 31999386.

NM_013450.4(BAZ2B):c.3075+1G>A

Gene: BAZ2B (bromodomain adjacent to zinc finger domain 2B; minus strand). Cytogenetic location: 2q24.2.
Variant type: single nucleotide variant.
Coding change: c.3075+1G>A on transcript NM_013450.4 (MANE Select); the canonical splice donor site of the intron after coding-DNA position 3075, G replaced by A.
Molecular consequence: splice donor variant.
Genome position (GRCh38, 1-based): chr2:159,395,768, C>T on the plus strand (G>A on the coding strand, the complement: BAZ2B is on the minus strand). VCF-style: chr2-159395768-C-T. GRCh37 (hg19) VCF-style: chr2-160252279-C-T.
Other names: c.2967+1G>A (NM_001289975.1); c.2913+1G>A (NM_001329857.2); c.3000+1G>A (NM_001329858.2).
Identifiers: ClinVar variation 1505273 (VCV001505273.8), dbSNP rs2149674650, ClinGen allele CA348934807.